The following is an entry in ClinVar:

NM_007294.4(BRCA1):c.5192A>G (p.Glu1731Gly)

Gene: BRCA1 (BRCA1 DNA repair associated; minus strand). Cytogenetic location: 17q21.31.
Variant type: single nucleotide variant.
Coding change: c.5192A>G on transcript NM_007294.4 (MANE Select); coding-DNA position 5192, A replaced by G.
Protein change: p.Glu1731Gly; replaces glutamic acid 1731 with glycine.
Molecular consequence: missense variant. On other transcripts: non-coding transcript variant (1).
Genome position (GRCh38, 1-based): chr17:43,063,334, T>C on the plus strand (A>G on the coding strand, the complement: BRCA1 is on the minus strand). VCF-style: chr17-43063334-T-C. GRCh37 (hg19) VCF-style: chr17-41215351-T-C.
Other names: c.5063A>G, p.Glu1688Gly (NM_001407689.1, NM_001407681.1, NM_001407682.1 and 6 more transcripts); c.5060A>G, p.Glu1687Gly (NM_001407690.1, NM_001407691.1); c.5051A>G, p.Glu1684Gly (NM_001407692.1, NM_001407694.1, NM_001407695.1 and 13 more transcripts); c.5048A>G, p.Glu1683Gly (NM_001407734.1, NM_001407735.1, NM_001407736.1 and 21 more transcripts); c.5045A>G, p.Glu1682Gly (NM_001407838.1, NM_001407839.1, NM_001407841.1 and 12 more transcripts); c.5186A>G, p.Glu1729Gly (NM_001407861.1, NM_001407629.1, NM_001407630.1 and 14 more transcripts); c.4991A>G, p.Glu1664Gly (NM_001407862.1); c.4988A>G, p.Glu1663Gly (NM_001407863.1); and 72 more; short protein forms E1731G, E1752G, E627G, E1684G, E1683G, E1689G, E1705G, E1753G.
Identifiers: ClinVar variation 867786 (VCV000867786.6), dbSNP rs2051854642, ClinGen allele CA10591157.

ClinVar aggregate classification (germline): Uncertain significance (1 of 4 stars; one submission).

Conditions:
Hereditary breast ovarian cancer syndrome. Also called: Hereditary breast and ovarian cancer; Hereditary breast and ovarian cancer syndrome (HBOC); Breast and ovarian cancer; Hereditary breast and/or ovarian cancer syndrome; BRCA1- and BRCA2-Associated Hereditary Breast and Ovarian Cancer; Hereditary breast and ovarian cancer syndrome. Identifiers: Orphanet 145, MedGen C0677776, MeSH D061325, MONDO:0003582. Disease mechanism: loss of function.

Submissions (2):

Labcorp Genetics (formerly Invitae), Labcorp
Classification: Uncertain significance for Hereditary breast ovarian cancer syndrome. Last evaluated: 2023-02-16. Review status: criteria provided, single submitter. Criteria: Invitae Variant Classification Sherloc (09022015). Collection method: clinical testing. Allele origin: germline.
Comment: This sequence change replaces glutamic acid, which is acidic and polar, with glycine, which is neutral and non-polar, at codon 1731 of the BRCA1 protein (p.Glu1731Gly). This variant is not present in population databases (gnomAD no frequency). This variant has not been reported in the literature in individuals affected with BRCA1-related conditions. ClinVar contains an entry for this variant (Variation ID: 867786). An algorithm developed to predict the effect of missense changes on protein structure and function (PolyPhen-2) suggests that this variant is likely to be disruptive. Experimental studies have shown that this missense change does not substantially affect BRCA1 function (PMID: 30209399, 30257991). In summary, the available evidence is currently insufficient to determine the role of this variant in disease. Therefore, it has been classified as a Variant of Uncertain Significance.

Brotman Baty Institute, University of Washington
No classification provided (evidence only). Condition: Breast-ovarian cancer, familial 1. Review status: no classification provided. Collection method: in vitro. Allele origin: not applicable. Functional consequence: functionally_normal. Not counted in ClinVar's aggregate classification.
ClinVar note: "not provided" was previously submitted as the classification for the variant. However, the classification appeared to be based only on an observation of functional data so it was converted to no classification on 2025-07-30.

Literature cited by the submitters: PubMed 30209399 (cited by Labcorp Genetics (formerly Invitae), Labcorp); PubMed 30257991 (cited by Labcorp Genetics (formerly Invitae), Labcorp).